The following is an entry in ClinVar:

NM_002156.5(HSPD1):c.568A>G (p.Met190Val)

Gene: HSPD1 (heat shock protein family D (Hsp60) member 1; minus strand). Cytogenetic location: 2q33.1.
Variant type: single nucleotide variant.
Coding change: c.568A>G on transcript NM_002156.5 (MANE Select); coding-DNA position 568, A replaced by G.
Protein change: p.Met190Val; replaces methionine 190 with valine.
Molecular consequence: missense variant.
Genome position (GRCh38, 1-based): chr2:197,494,695, T>C on the plus strand (A>G on the coding strand, the complement: HSPD1 is on the minus strand). VCF-style: chr2-197494695-T-C. GRCh37 (hg19) VCF-style: chr2-198359419-T-C.
Other names: c.568A>G, p.Met190Val (NM_199440.2); short protein forms M190V.
Identifiers: ClinVar variation 662118 (VCV000662118.9), dbSNP rs772071575, ClinGen allele CA2043564.

ClinVar aggregate classification (germline): Uncertain significance. Review status: criteria provided, multiple submitters, no conflicts (2 of 4 stars). 2 submissions from 2 submitters: Uncertain significance (2). Last evaluated 2025-01-09.

Conditions:
Spastic paraplegia. Identifiers: MedGen C0037772, HP:0001258.
Inborn genetic diseases. Identifiers: MedGen C0950123, MeSH D030342.

Allele frequency attached by ClinVar (database versions not stated): gnomAD exomes below 0.00001 and 0.00001; ExAC 0.00001; TOPMed 0.00002.

Submissions (2):

Ambry Genetics
Classification: Uncertain significance for Inborn genetic diseases. Last evaluated: 2025-01-09. Review status: criteria provided, single submitter. Criteria: Ambry Variant Classification Scheme 2023. Collection method: clinical testing. Allele origin: germline.

Labcorp Genetics (formerly Invitae), Labcorp
Classification: Uncertain significance for Spastic paraplegia. Last evaluated: 2022-09-22. Review status: criteria provided, single submitter. Criteria: Invitae Variant Classification Sherloc (09022015). Collection method: clinical testing. Allele origin: germline.
Comment: In summary, the available evidence is currently insufficient to determine the role of this variant in disease. Therefore, it has been classified as a Variant of Uncertain Significance. Algorithms developed to predict the effect of sequence changes on RNA splicing suggest that this variant may create or strengthen a splice site. Advanced modeling of protein sequence and biophysical properties (such as structural, functional, and spatial information, amino acid conservation, physicochemical variation, residue mobility, and thermodynamic stability) performed at Invitae indicates that this missense variant is not expected to disrupt HSPD1 protein function. ClinVar contains an entry for this variant (Variation ID: 662118). This variant has not been reported in the literature in individuals affected with HSPD1-related conditions. This variant is present in population databases (rs772071575, gnomAD 0.003%). This sequence change replaces methionine, which is neutral and non-polar, with valine, which is neutral and non-polar, at codon 190 of the HSPD1 protein (p.Met190Val).